The following is an entry in ClinVar:

NM_144631.6(ZNF513):c.653_654delinsCT (p.Leu218Pro)

Gene: ZNF513 (zinc finger protein 513; minus strand). Cytogenetic location: 2p23.3.
Variant type: Indel.
Coding change: c.653_654delinsCT on transcript NM_144631.6 (MANE Select); coding-DNA positions 653 to 654, TG replaced by CT.
Protein change: p.Leu218Pro; replaces leucine 218 with proline.
Molecular consequence: missense variant.
Genome position (GRCh38, 1-based): chr2:27,378,612-27,378,613, CA replaced by AG on the plus strand (TG replaced by CT on the coding strand, the reverse complement: ZNF513 is on the minus strand). VCF-style: chr2-27378612-CA-AG. GRCh37 (hg19) VCF-style: chr2-27601479-CA-AG.
Other names: c.467_468delinsCT, p.Leu156Pro (NM_001201459.2); short protein forms L218P, L156P.
Identifiers: ClinVar variation 3690871 (VCV003690871.2).

ClinVar aggregate classification (germline): Uncertain significance (1 of 4 stars; one submission).

Submission:

Labcorp Genetics (formerly Invitae), Labcorp
Classification: Uncertain significance. Last evaluated: 2024-06-28. Review status: criteria provided, single submitter. Criteria: Invitae Variant Classification Sherloc (09022015). Collection method: clinical testing. Allele origin: germline.
Comment: This sequence change replaces leucine, which is neutral and non-polar, with proline, which is neutral and non-polar, at codon 218 of the ZNF513 protein (p.Leu218Pro). Information on the frequency of this variant in the gnomAD database is not available, as this variant may be reported differently in the database. This variant has not been reported in the literature in individuals affected with ZNF513-related conditions. An algorithm developed to predict the effect of missense changes on protein structure and function (PolyPhen-2) suggests that this variant is likely to be disruptive. In summary, the available evidence is currently insufficient to determine the role of this variant in disease. Therefore, it has been classified as a Variant of Uncertain Significance.